The following is an entry in ClinVar:

NM_005702.4(ERAL1):c.151G>A (p.Ala51Thr)

Gene: ERAL1 (Era like 12S mitochondrial rRNA chaperone 1; plus strand). Cytogenetic location: 17q11.2.
Variant type: single nucleotide variant.
Coding change: c.151G>A on transcript NM_005702.4 (MANE Select); coding-DNA position 151, G replaced by A.
Protein change: p.Ala51Thr; replaces alanine 51 with threonine.
Molecular consequence: missense variant. On other transcripts: non-coding transcript variant (1).
Genome position (GRCh38, 1-based): chr17:28,855,185, G>A. VCF-style: chr17-28855185-G-A. GRCh37 (hg19) VCF-style: chr17-27182203-G-A.
Other names: c.151G>A, p.Ala51Thr (NM_001317985.2, NM_001317986.2); c.151G>A (NM_005702.3); short protein forms A51T.
Identifiers: ClinVar variation 1031569 (VCV001031569.2), dbSNP rs148852381, ClinGen allele CA8468478.

ClinVar aggregate classification (germline): Conflicting classifications of pathogenicity. Review status: criteria provided, conflicting classifications (1 of 4 stars). 2 submissions from 2 submitters: Uncertain significance (1); Likely benign (1). Last evaluated 2024-12-30.

Conditions:
ERAL1-related disorder. Also called: ERAL1-related condition.
Perrault syndrome 6 (PRLTS6). Identifiers: MedGen C4479656, MONDO:0033047, OMIM 617565.

Allele frequency attached by ClinVar (database versions not stated): gnomAD exomes 0.00012 and 0.00038; ExAC 0.00050; 1000 Genomes Project 0.00120; 1000 Genomes Project 30x 0.00125; gnomAD 0.00131 and 0.00140; TOPMed 0.00158; ESP Exome Variant Server 0.00192.
gnomAD v4.1: 387 of 1,614,214 alleles (0.024%); highest among the groups gnomAD compares: African/African-American, 0.44%; 1 homozygote.

Submissions (2):

PreventionGenetics, part of Exact Sciences
Classification: Likely benign for ERAL1-related condition. Last evaluated: 2024-12-30. Review status: criteria provided, single submitter. Criteria: ACMG Guidelines, 2015. Collection method: clinical testing. Allele origin: germline.
Comment: This variant is classified as likely benign based on ACMG/AMP sequence variant interpretation guidelines (Richards et al. 2015 PMID: 25741868, with internal and published modifications).

Baylor Genetics
Classification: Uncertain significance for Perrault syndrome 6. Last evaluated: 2018-05-01. Review status: criteria provided, single submitter. Criteria: ACMG Guidelines, 2015. Collection method: clinical testing. Allele origin: unknown. Affected: yes.
Comment: This variant was determined to be of uncertain significance according to ACMG Guidelines, 2015 [PMID:25741868].